The following is an entry in ClinVar:

ClinVar aggregate classification (germline): Likely benign. Review status: criteria provided, multiple submitters, no conflicts (2 of 4 stars). 2 submissions from 2 submitters: Likely benign (2). Last evaluated 2025-05-25.

Conditions:
AARS1-related disorder. Also called: AARS1-related condition.
Charcot-Marie-Tooth disease type 2. Also called: Charcot-Marie-Tooth type 2. Identifiers: Orphanet 64746, MedGen C0270914, MONDO:0018993.

Allele frequency attached by ClinVar (database versions not stated): TOPMed below 0.00001; gnomAD 0.00001; gnomAD exomes 0.00002.
gnomAD v4.1: 24 of 1,613,988 alleles (0.0015%); highest among the groups gnomAD compares: Non-Finnish European, 0.0019%; no homozygotes.

Submissions (2):

PreventionGenetics, part of Exact Sciences
Classification: Likely benign for AARS1-related condition. Last evaluated: 2025-05-25. Review status: criteria provided, single submitter. Criteria: ACMG Guidelines, 2015. Collection method: clinical testing. Allele origin: germline.
Comment: This variant is classified as likely benign based on ACMG/AMP sequence variant interpretation guidelines (Richards et al. 2015 PMID: 25741868, with internal and published modifications).

Labcorp Genetics (formerly Invitae), Labcorp
Classification: Likely benign for Charcot-Marie-Tooth disease type 2. Last evaluated: 2022-08-16. Review status: criteria provided, single submitter. Criteria: Invitae Variant Classification Sherloc (09022015). Collection method: clinical testing. Allele origin: germline.

NM_001605.3(AARS1):c.2409C>T (p.Ala803=)

Gene: AARS1 (alanyl-tRNA synthetase 1; minus strand). Cytogenetic location: 16q22.1.
Variant type: single nucleotide variant.
Coding change: c.2409C>T on transcript NM_001605.3 (MANE Select); coding-DNA position 2409, C replaced by T.
Protein change: p.Ala803=; no amino-acid change (alanine 803 retained).
Molecular consequence: synonymous variant.
Genome position (GRCh38, 1-based): chr16:70,254,030, G>A on the plus strand (C>T on the coding strand, the complement: AARS1 is on the minus strand). VCF-style: chr16-70254030-G-A. GRCh37 (hg19) VCF-style: chr16-70287933-G-A.
Other names: c.2409C>T (NM_001605.2).
Identifiers: ClinVar variation 1682126 (VCV001682126.9), dbSNP rs1329271301, ClinGen allele CA496200810.
Genomic context (GRCh38, chr16:70,254,030, plus strand): 5'-CTTTAGGGATTTGAGAGTCTCCCGCAATTCATCCTTCTGCCACTGGGGGATGACTGCAGT[G>A]GCCAGGGCCTGGAACCAATAGACGACCATCTCAATCTGGGCCACAACTTGCTGGGATGTC-3'
Protein context (NP_001596.2, residues 793-813): REIADLGEAL[Ala803=]TAVIPQWQKD